The following is an entry in ClinVar:

ClinVar aggregate classification (germline): Uncertain significance. Review status: criteria provided, multiple submitters, no conflicts (2 of 4 stars). 3 submissions from 3 submitters: Uncertain significance (3). Last evaluated 2025-03-28.

Conditions:
CYP11A1-related disorder. Also called: CYP11A1-related condition.
Inborn genetic diseases. Identifiers: MedGen C0950123, MeSH D030342.
Congenital adrenal insufficiency with 46, XY sex reversal OR 46,XY disorder of sex development-adrenal insufficiency due to CYP11A1 deficiency. Also called: P450scc DEFICIENCY; Congenital adrenal insuffiency with 46, XY sex reversal OR 46,XY disorder of sex development-adrenal insufficiency due to CYP11A1 deficiency. Identifiers: Orphanet 168558, MedGen C3151055, MONDO:0013400, OMIM 613743.

Allele frequency attached by ClinVar (database versions not stated): gnomAD 0.00005; TOPMed 0.00005; ExAC 0.00007; ESP Exome Variant Server 0.00015.
gnomAD v4.1: 147 of 1,614,102 alleles (0.0091%); highest among the groups gnomAD compares: Non-Finnish European, 0.012%; no homozygotes.

Submissions (3):

PreventionGenetics, part of Exact Sciences
Classification: Uncertain significance for CYP11A1-related condition. Last evaluated: 2025-03-28. Review status: criteria provided, single submitter. Criteria: ACMG Guidelines, 2015. Collection method: clinical testing. Allele origin: germline.
Comment: The CYP11A1 c.478G>A variant is predicted to result in the amino acid substitution p.Ala160Thr. To our knowledge, this variant has not been reported in the literature. This variant is reported in 0.0077% of alleles in individuals of European (Non-Finnish) descent in gnomAD. At this time, the clinical significance of this variant is uncertain due to the absence of conclusive functional and genetic evidence.

Fulgent Genetics
Classification: Uncertain significance for Congenital adrenal insufficiency with 46, XY sex reversal OR 46,XY disorder of sex development-adrenal insufficiency due to CYP11A1 deficiency. Last evaluated: 2024-06-09. Review status: criteria provided, single submitter. Criteria: ACMG Guidelines, 2015. Collection method: clinical testing. Allele origin: germline.

Ambry Genetics
Classification: Uncertain significance for Inborn genetic diseases. Last evaluated: 2023-01-17. Review status: criteria provided, single submitter. Criteria: Ambry Variant Classification Scheme 2023. Collection method: clinical testing. Allele origin: germline.

NM_000781.3(CYP11A1):c.478G>A (p.Ala160Thr)

Gene: CYP11A1 (cytochrome P450 family 11 subfamily A member 1; minus strand). Cytogenetic location: 15q24.1.
Variant type: single nucleotide variant.
Coding change: c.478G>A on transcript NM_000781.3 (MANE Select); coding-DNA position 478, G replaced by A.
Protein change: p.Ala160Thr; replaces alanine 160 with threonine.
Molecular consequence: missense variant.
Genome position (GRCh38, 1-based): chr15:74,345,191, C>T on the plus strand (G>A on the coding strand, the complement: CYP11A1 is on the minus strand). VCF-style: chr15-74345191-C-T. GRCh37 (hg19) VCF-style: chr15-74637532-C-T.
Other names: c.4G>A, p.Ala2Thr (NM_001099773.2); short protein forms A160T, A2T.
Identifiers: ClinVar variation 2463853 (VCV002463853.4), dbSNP rs149170405, ClinGen allele CA7656558.